The following is an entry in ClinVar:

NM_001291303.3(FAT4):c.9952A>G (p.Ile3318Val)

Gene: FAT4 (FAT atypical cadherin 4; plus strand). Cytogenetic location: 4q28.1.
Variant type: single nucleotide variant.
Coding change: c.9952A>G on transcript NM_001291303.3 (MANE Select); coding-DNA position 9952, A replaced by G.
Protein change: p.Ile3318Val; replaces isoleucine 3318 with valine.
Molecular consequence: missense variant.
Genome position (GRCh38, 1-based): chr4:125,450,962, A>G. VCF-style: chr4-125450962-A-G. GRCh37 (hg19) VCF-style: chr4-126372117-A-G.
Other names: c.9952A>G, p.Ile3318Val (NM_001291285.3); c.9946A>G, p.Ile3316Val (NM_024582.6); short protein forms I3318V, I3316V.
Identifiers: ClinVar variation 2057306 (VCV002057306.2), dbSNP rs768940391, ClinGen allele CA3073605.

ClinVar aggregate classification (germline): Uncertain significance (1 of 4 stars; one submission).

Allele frequency attached by ClinVar (database versions not stated): gnomAD exomes below 0.00001; TOPMed 0.00001; ExAC 0.00002.
gnomAD v4.1: 5 of 1,614,110 alleles (0.00031%); highest among the groups gnomAD compares: Admixed American, 0.0067%; no homozygotes.

Submission:

Labcorp Genetics (formerly Invitae), Labcorp
Classification: Uncertain significance. Last evaluated: 2024-10-16. Review status: criteria provided, single submitter. Criteria: Invitae Variant Classification Sherloc (09022015). Collection method: clinical testing. Allele origin: germline.
Comment: This sequence change replaces isoleucine, which is neutral and non-polar, with valine, which is neutral and non-polar, at codon 3316 of the FAT4 protein (p.Ile3316Val). This variant is present in population databases (rs768940391, gnomAD 0.01%). This variant has not been reported in the literature in individuals affected with FAT4-related conditions. ClinVar contains an entry for this variant (Variation ID: 2057306). Invitae Evidence Modeling of protein sequence and biophysical properties (such as structural, functional, and spatial information, amino acid conservation, physicochemical variation, residue mobility, and thermodynamic stability) indicates that this missense variant is not expected to disrupt FAT4 protein function with a negative predictive value of 80%. In summary, the available evidence is currently insufficient to determine the role of this variant in disease. Therefore, it has been classified as a Variant of Uncertain Significance.